The following is an entry in ClinVar:

NM_001206999.2(CIT):c.6170T>C (p.Leu2057Pro)

Gene: CIT (citron rho-interacting serine/threonine kinase; minus strand). Cytogenetic location: 12q24.23.
Variant type: single nucleotide variant.
Coding change: c.6170T>C on transcript NM_001206999.2 (MANE Select); coding-DNA position 6170, T replaced by C.
Protein change: p.Leu2057Pro; replaces leucine 2057 with proline.
Molecular consequence: missense variant.
Genome position (GRCh38, 1-based): chr12:119,690,167, A>G on the plus strand (T>C on the coding strand, the complement: CIT is on the minus strand). VCF-style: chr12-119690167-A-G. GRCh37 (hg19) VCF-style: chr12-120127972-A-G.
Other names: c.6170T>C (NM_001206999.1); c.6044T>C, p.Leu2015Pro (NM_007174.3); short protein forms L2015P, L2057P.
Identifiers: ClinVar variation 2033914 (VCV002033914.5), dbSNP rs749796555, ClinGen allele CA6820629.

ClinVar aggregate classification (germline): Uncertain significance. Review status: criteria provided, multiple submitters, no conflicts (2 of 4 stars). 2 submissions from 2 submitters: Uncertain significance (2). Last evaluated 2025-07-15.

Conditions:
Inborn genetic diseases. Identifiers: MedGen C0950123, MeSH D030342.

Allele frequency attached by ClinVar (database versions not stated): ExAC 0.00001; gnomAD 0.00001; TOPMed 0.00001; gnomAD exomes 0.00002.
gnomAD v4.1: 29 of 1,478,992 alleles (0.002%); highest among the groups gnomAD compares: Non-Finnish European, 0.0025%; no homozygotes.

Submissions (2):

Ambry Genetics
Classification: Uncertain significance for Inborn genetic diseases. Last evaluated: 2025-07-15. Review status: criteria provided, single submitter. Criteria: Ambry Variant Classification Scheme 2023. Collection method: clinical testing. Allele origin: germline.

Labcorp Genetics (formerly Invitae), Labcorp
Classification: Uncertain significance. Last evaluated: 2022-10-18. Review status: criteria provided, single submitter. Criteria: Invitae Variant Classification Sherloc (09022015). Collection method: clinical testing. Allele origin: germline.
Comment: This variant is present in population databases (rs749796555, gnomAD 0.006%). This sequence change replaces leucine, which is neutral and non-polar, with proline, which is neutral and non-polar, at codon 2057 of the CIT protein (p.Leu2057Pro). This variant has not been reported in the literature in individuals affected with CIT-related conditions. In summary, the available evidence is currently insufficient to determine the role of this variant in disease. Therefore, it has been classified as a Variant of Uncertain Significance. Algorithms developed to predict the effect of missense changes on protein structure and function are either unavailable or do not agree on the potential impact of this missense change (SIFT: "Deleterious"; PolyPhen-2: "Possibly Damaging"; Align-GVGD: "Class C0").